The following is an entry in ClinVar:

NM_004863.4(SPTLC2):c.161T>C (p.Leu54Pro)

Gene: SPTLC2 (serine palmitoyltransferase long chain base subunit 2; minus strand). Cytogenetic location: 14q24.3.
Variant type: single nucleotide variant.
Coding change: c.161T>C on transcript NM_004863.4 (MANE Select); coding-DNA position 161, T replaced by C.
Protein change: p.Leu54Pro; replaces leucine 54 with proline.
Molecular consequence: missense variant.
Genome position (GRCh38, 1-based): chr14:77,597,352, A>G on the plus strand (T>C on the coding strand, the complement: SPTLC2 is on the minus strand). VCF-style: chr14-77597352-A-G. GRCh37 (hg19) VCF-style: chr14-78063695-A-G.
Other names: short protein forms L54P.
Identifiers: ClinVar variation 1776582 (VCV001776582.10), dbSNP rs1803505662, ClinGen allele CA390706581.

ClinVar aggregate classification (germline): Uncertain significance. Review status: criteria provided, multiple submitters, no conflicts (2 of 4 stars). 3 submissions from 3 submitters: Uncertain significance (3). Last evaluated 2025-03-28.

Conditions:
Inborn genetic diseases. Identifiers: MedGen C0950123, MeSH D030342.
Neuropathy, hereditary sensory and autonomic, type 1C. Also called: HSAN IC; HSN IC. Identifiers: Orphanet 36386, MedGen C3150896, MONDO:0013337, OMIM 613640.

Allele frequency attached by ClinVar (database versions not stated): TOPMed below 0.00001; gnomAD exomes 0.00001.
gnomAD v4.1: 18 of 1,614,194 alleles (0.0011%); highest among the groups gnomAD compares: Non-Finnish European, 0.0015%; no homozygotes.

Submissions (3):

Revvity Omics, Revvity
Classification: Uncertain significance for Neuropathy, hereditary sensory and autonomic, type 1C. Last evaluated: 2025-03-28. Review status: criteria provided, single submitter. Criteria: ACMG Guidelines, 2015. Collection method: clinical testing. Allele origin: germline.

Labcorp Genetics (formerly Invitae), Labcorp
Classification: Uncertain significance for Neuropathy, hereditary sensory and autonomic, type 1C. Last evaluated: 2023-11-02. Review status: criteria provided, single submitter. Criteria: Invitae Variant Classification Sherloc (09022015). Collection method: clinical testing. Allele origin: germline.
Comment: This sequence change replaces leucine, which is neutral and non-polar, with proline, which is neutral and non-polar, at codon 54 of the SPTLC2 protein (p.Leu54Pro). This variant is not present in population databases (gnomAD no frequency). This variant has not been reported in the literature in individuals affected with SPTLC2-related conditions. ClinVar contains an entry for this variant (Variation ID: 1776582). An algorithm developed to predict the effect of missense changes on protein structure and function (PolyPhen-2) suggests that this variant is likely to be tolerated. In summary, the available evidence is currently insufficient to determine the role of this variant in disease. Therefore, it has been classified as a Variant of Uncertain Significance.

Ambry Genetics
Classification: Uncertain significance for Inborn genetic diseases. Last evaluated: 2019-09-16. Review status: criteria provided, single submitter. Criteria: Ambry Variant Classification Scheme 2023. Collection method: clinical testing. Allele origin: germline.
Comment: The p.L54P variant (also known as c.161T>C), located in coding exon 2 of the SPTLC2 gene, results from a T to C substitution at nucleotide position 161. The leucine at codon 54 is replaced by proline, an amino acid with similar properties. This amino acid position is highly conserved in available vertebrate species. In addition, this alteration is predicted to be deleterious by in silico analysis. Since supporting evidence is limited at this time, the clinical significance of this alteration remains unclear.